The following is an entry in ClinVar:

NM_016151.4(TAOK2):c.2514A>C (p.Glu838Asp)

Gene: TAOK2 (TAO kinase 2; plus strand). Cytogenetic location: 16p11.2.
Variant type: single nucleotide variant.
Coding change: c.2514A>C on transcript NM_016151.4 (MANE Select); coding-DNA position 2514, A replaced by C.
Protein change: p.Glu838Asp; replaces glutamic acid 838 with aspartic acid.
Molecular consequence: missense variant. On other transcripts: intron variant (2).
Genome position (GRCh38, 1-based): chr16:29,986,786, A>C. VCF-style: chr16-29986786-A-C. GRCh37 (hg19) VCF-style: chr16-29998107-A-C.
Other names: c.2232+282A>C (NM_004783.4); c.2233-58A>C (NM_001252043.2); short protein forms E838D.
Identifiers: ClinVar variation 3617739 (VCV003617739.2).
Genomic context (GRCh38, chr16:29,986,786, plus strand): 5'-GGAAGAATCAGGAGCCCCTAGTCCCAGTCCACAAAAACATGGGAGCCTGGTTGATGAGGA[A>C]GTTTGGGGTCTGCCTGAGGAGATAGAGGAGCTTAGGGTGCCCTCCCTTGTACCCCAGGAG-3'
Protein context (NP_057235.2, residues 828-848): PQKHGSLVDE[Glu838Asp]VWGLPEEIEE

ClinVar aggregate classification (germline): Uncertain significance (1 of 4 stars; one submission).

gnomAD v4.1: 1 of 1,613,776 alleles (0.000062%); highest among the groups gnomAD compares: Admixed American, 0.0017%; no homozygotes.

Submission:

Labcorp Genetics (formerly Invitae), Labcorp
Classification: Uncertain significance. Last evaluated: 2024-05-12. Review status: criteria provided, single submitter. Criteria: Invitae Variant Classification Sherloc (09022015). Collection method: clinical testing. Allele origin: germline.
Comment: This sequence change replaces glutamic acid, which is acidic and polar, with aspartic acid, which is acidic and polar, at codon 838 of the TAOK2 protein (p.Glu838Asp). This variant is present in population databases (rs771680677, gnomAD 0.003%). This variant has not been reported in the literature in individuals affected with TAOK2-related conditions. Algorithms developed to predict the effect of missense changes on protein structure and function output the following: SIFT: "Not Available"; PolyPhen-2: "Benign"; Align-GVGD: "Not Available". The aspartic acid amino acid residue is found in multiple mammalian species, which suggests that this missense change does not adversely affect protein function. In summary, the available evidence is currently insufficient to determine the role of this variant in disease. Therefore, it has been classified as a Variant of Uncertain Significance.